The following is an entry in ClinVar:

NM_005051.3(QARS1):c.1957-48G>C

Gene: QARS1 (glutaminyl-tRNA synthetase 1; minus strand). Cytogenetic location: 3p21.31.
Variant type: single nucleotide variant.
Coding change: c.1957-48G>C on transcript NM_005051.3 (MANE Select); 48 bases into the intron before coding-DNA position 1957, G replaced by C.
Molecular consequence: intron variant.
Genome position (GRCh38, 1-based): chr3:49,098,528, C>G on the plus strand (G>C on the coding strand, the complement: QARS1 is on the minus strand). VCF-style: chr3-49098528-C-G. GRCh37 (hg19) VCF-style: chr3-49135961-C-G.
Other names: c.1924-48G>C (NM_001272073.2).
Identifiers: ClinVar variation 1183374 (VCV001183374.7), dbSNP rs13064784, ClinGen allele CA2391579.

ClinVar aggregate classification (germline): Benign. Review status: criteria provided, multiple submitters, no conflicts (2 of 4 stars). 4 submissions from 4 submitters: Benign (4). Last evaluated 2024-07-15.

Conditions:
Diffuse cerebral and cerebellar atrophy - intractable seizures - progressive microcephaly syndrome. Also called: Microcephaly, progressive, with seizures and cerebral and cerebellar atrophy. Identifiers: Orphanet 404437, MedGen C4014239, MONDO:0014335, OMIM 615760.

Allele frequency attached by ClinVar (database versions not stated): ESP Exome Variant Server 0.61533; TOPMed 0.65492; 1000 Genomes Project 30x 0.74032; 1000 Genomes Project 0.74840.
gnomAD v4.1: 1,096,289 of 1,612,892 alleles (68%); highest among the groups gnomAD compares: East Asian, 96%; 378,641 homozygotes.

Submissions (4):

Unidad de Genómica Garrahan, Hospital de Pediatría Garrahan
Classification: Benign. Last evaluated: 2024-07-15. Review status: criteria provided, single submitter. Criteria: ACMG Guidelines, 2015. Collection method: clinical testing. Allele origin: germline. Affected: no. Observed: 86 variant alleles.
Comment: This variant is classified as Benign based on local population frequency. This variant was detected in 92% of patients studied in a panel designed for Epileptic and Developmental Encephalopathy and Progressive Myoclonus Epilepsy. Number of patients: 86. Only high quality variants are reported.

Genome-Nilou Lab
Classification: Benign for Diffuse cerebral and cerebellar atrophy - intractable seizures - progressive microcephaly syndrome. Last evaluated: 2021-11-07. Review status: criteria provided, single submitter. Criteria: ACMG Guidelines, 2015. Collection method: clinical testing. Allele origin: germline. Affected: no.

GeneDx
Classification: Benign. Last evaluated: 2018-06-25. Review status: criteria provided, single submitter. Criteria: GeneDx Variant Classification Process June 2021. Collection method: clinical testing. Allele origin: germline. Affected: yes.

Breakthrough Genomics
Classification: Benign. Review status: criteria provided, single submitter. Criteria: ACMG Guidelines, 2015. Collection method: not provided. Allele origin: germline. Inheritance: Autosomal recessive inheritance. Affected: yes.